The following is an entry in ClinVar:

NM_001844.5(COL2A1):c.870+12G>A

Gene: COL2A1 (collagen type II alpha 1 chain; minus strand). Cytogenetic location: 12q13.11.
Variant type: single nucleotide variant.
Coding change: c.870+12G>A on transcript NM_001844.5 (MANE Select); 12 bases into the intron after coding-DNA position 870, G replaced by A.
Molecular consequence: intron variant.
Genome position (GRCh38, 1-based): chr12:47,993,982, C>T on the plus strand (G>A on the coding strand, the complement: COL2A1 is on the minus strand). VCF-style: chr12-47993982-C-T. GRCh37 (hg19) VCF-style: chr12-48387765-C-T.
Other names: c.663+12G>A (NM_033150.3).
Identifiers: ClinVar variation 510950 (VCV000510950.9), dbSNP rs373679402, ClinGen allele CA6535747.

ClinVar aggregate classification (germline): Likely benign. Review status: criteria provided, multiple submitters, no conflicts (2 of 4 stars). 3 submissions from 3 submitters: Likely benign (3). Last evaluated 2025-07-13.

Allele frequency attached by ClinVar (database versions not stated): ExAC 0.00002; TOPMed 0.00003; gnomAD 0.00004 and 0.00005; ESP Exome Variant Server 0.00008.
gnomAD v4.1: 78 of 1,614,124 alleles (0.0048%); highest among the groups gnomAD compares: Non-Finnish European, 0.0055%; no homozygotes.

Submissions (3):

Labcorp Genetics (formerly Invitae), Labcorp
Classification: Likely benign. Last evaluated: 2025-07-13. Review status: criteria provided, single submitter. Criteria: Invitae Variant Classification Sherloc (09022015). Collection method: clinical testing. Allele origin: germline.

Blueprint Genetics
Classification: Likely benign. Last evaluated: 2024-05-23. Review status: criteria provided, single submitter. Criteria: ACMG Guidelines, 2015. Collection method: clinical testing. Allele origin: germline.

GeneDx
Classification: Likely benign. Last evaluated: 2017-07-24. Review status: criteria provided, single submitter. Criteria: GeneDx Variant Classification (06012015). Collection method: clinical testing. Allele origin: germline. Affected: yes.
Comment: This variant is considered likely benign or benign based on one or more of the following criteria: it is a conservative change, it occurs at a poorly conserved position in the protein, it is predicted to be benign by multiple in silico algorithms, and/or has population frequency not consistent with disease.